The following is an entry in ClinVar:

ClinVar aggregate classification (germline): Uncertain significance (1 of 4 stars; one submission).

Allele frequency attached by ClinVar (database versions not stated): gnomAD exomes below 0.00001.
gnomAD v4.1: 5 of 1,614,126 alleles (0.00031%); highest among the groups gnomAD compares: African/African-American, 0.0013%; no homozygotes.

Submission:

Labcorp Genetics (formerly Invitae), Labcorp
Classification: Uncertain significance. Last evaluated: 2023-02-17. Review status: criteria provided, single submitter. Criteria: Invitae Variant Classification Sherloc (09022015). Collection method: clinical testing. Allele origin: germline.
Comment: In summary, the available evidence is currently insufficient to determine the role of this variant in disease. Therefore, it has been classified as a Variant of Uncertain Significance. An algorithm developed to predict the effect of missense changes on protein structure and function (PolyPhen-2) suggests that this variant is likely to be disruptive. This sequence change replaces serine, which is neutral and polar, with threonine, which is neutral and polar, at codon 385 of the TNFRSF11A protein (p.Ser385Thr). This variant is not present in population databases (gnomAD no frequency). This variant has not been reported in the literature in individuals affected with TNFRSF11A-related conditions.

NM_003839.4(TNFRSF11A):c.1154G>C (p.Ser385Thr)

Gene: TNFRSF11A (TNF receptor superfamily member 11a; plus strand). Cytogenetic location: 18q21.33.
Variant type: single nucleotide variant.
Coding change: c.1154G>C on transcript NM_003839.4 (MANE Select); coding-DNA position 1154, G replaced by C.
Protein change: p.Ser385Thr; replaces serine 385 with threonine.
Molecular consequence: missense variant. On other transcripts: intron variant (3).
Genome position (GRCh38, 1-based): chr18:62,369,071, G>C. VCF-style: chr18-62369071-G-C. GRCh37 (hg19) VCF-style: chr18-60036304-G-C.
Other names: c.1112G>C, p.Ser371Thr (NM_001278268.2); c.783+2311G>C (NM_001270949.2); c.730+7278G>C (NM_001270950.2); c.616+9022G>C (NM_001270951.2); short protein forms S385T, S371T.
Identifiers: ClinVar variation 2014645 (VCV002014645.4), dbSNP rs2511592588, ClinGen allele CA402617329.